The following is an entry in ClinVar:

NM_000883.4(IMPDH1):c.1730A>G (p.Lys577Arg)

Gene: IMPDH1 (inosine monophosphate dehydrogenase 1; minus strand). Cytogenetic location: 7q32.1.
Variant type: single nucleotide variant.
Coding change: c.1730A>G on transcript NM_000883.4 (MANE Select); coding-DNA position 1730, A replaced by G.
Protein change: p.Lys577Arg; replaces lysine 577 with arginine.
Molecular consequence: missense variant.
Genome position (GRCh38, 1-based): chr7:128,394,326, T>C on the plus strand (A>G on the coding strand, the complement: IMPDH1 is on the minus strand). VCF-style: chr7-128394326-T-C. GRCh37 (hg19) VCF-style: chr7-128034380-T-C.
Other names: c.1700A>G, p.Lys567Arg (NM_001102605.2); c.1475A>G, p.Lys492Arg (NM_001142573.2); c.1460A>G, p.Lys487Arg (NM_001142574.2); c.1400A>G, p.Lys467Arg (NM_001142575.2); c.1631A>G, p.Lys544Arg (NM_001142576.2); c.1523A>G, p.Lys508Arg (NM_001304521.2); c.1622A>G, p.Lys541Arg (NM_183243.3); short protein forms K467R, K508R, K544R, K487R, K541R, K567R, K577R, K492R.
Identifiers: ClinVar variation 934790 (VCV000934790.9), dbSNP rs1797751525, ClinGen allele CA369161646.

ClinVar aggregate classification (germline): Uncertain significance (1 of 4 stars; one submission).

Submission:

Labcorp Genetics (formerly Invitae), Labcorp
Classification: Uncertain significance. Last evaluated: 2022-03-10. Review status: criteria provided, single submitter. Criteria: Invitae Variant Classification Sherloc (09022015). Collection method: clinical testing. Allele origin: germline.
Comment: In summary, the available evidence is currently insufficient to determine the role of this variant in disease. Therefore, it has been classified as a Variant of Uncertain Significance. Algorithms developed to predict the effect of missense changes on protein structure and function (SIFT, PolyPhen-2, Align-GVGD) all suggest that this variant is likely to be tolerated. ClinVar contains an entry for this variant (Variation ID: 934790). This variant has not been reported in the literature in individuals affected with IMPDH1-related conditions. This variant is not present in population databases (gnomAD no frequency). This sequence change replaces lysine, which is basic and polar, with arginine, which is basic and polar, at codon 577 of the IMPDH1 protein (p.Lys577Arg).